The following is an entry in ClinVar:

NM_002691.4(POLD1):c.2452C>T (p.Pro818Ser)

Gene: POLD1 (DNA polymerase delta 1, catalytic subunit; plus strand). Cytogenetic location: 19q13.33.
Variant type: single nucleotide variant.
Coding change: c.2452C>T on transcript NM_002691.4 (MANE Select); coding-DNA position 2452, C replaced by T.
Protein change: p.Pro818Ser; replaces proline 818 with serine.
Molecular consequence: missense variant. On other transcripts: non-coding transcript variant (1).
Genome position (GRCh38, 1-based): chr19:50,414,878, C>T. VCF-style: chr19-50414878-C-T. GRCh37 (hg19) VCF-style: chr19-50918135-C-T.
Other names: c.2452C>T, p.Pro818Ser (NM_001256849.1); c.2530C>T, p.Pro844Ser (NM_001308632.1); short protein forms P818S, P844S.
Identifiers: ClinVar variation 1707317 (VCV001707317.2), dbSNP rs2039217210, ClinGen allele CA406984768.

ClinVar aggregate classification (germline): Uncertain significance (1 of 4 stars; one submission).

Submission:

GeneDx
Classification: Uncertain significance. Last evaluated: 2022-03-24. Review status: criteria provided, single submitter. Criteria: GeneDx Variant Classification Process June 2021. Collection method: clinical testing. Allele origin: germline. Affected: yes.
Comment: Has not been previously published as pathogenic or benign to our knowledge; Not observed at significant frequency in large population cohorts (gnomAD); In silico analysis supports that this missense variant has a deleterious effect on protein structure/function